The following is an entry in ClinVar:

NM_001572.5(IRF7):c.764C>T (p.Thr255Ile)

Gene: IRF7 (interferon regulatory factor 7; minus strand). Cytogenetic location: 11p15.5.
Variant type: single nucleotide variant.
Coding change: c.764C>T on transcript NM_001572.5 (MANE Select); coding-DNA position 764, C replaced by T.
Protein change: p.Thr255Ile; replaces threonine 255 with isoleucine.
Molecular consequence: missense variant. On other transcripts: intron variant (1).
Genome position (GRCh38, 1-based): chr11:613,953, G>A on the plus strand (C>T on the coding strand, the complement: IRF7 is on the minus strand). VCF-style: chr11-613953-G-A. GRCh37 (hg19) VCF-style: chr11-613953-G-A.
Other names: c.803C>T, p.Thr268Ile (NM_004031.4); c.680-88C>T (NM_004029.4); short protein forms T268I, T255I.
Identifiers: ClinVar variation 2918757 (VCV002918757.4), dbSNP rs1041274997, ClinGen allele CA216911446.

ClinVar aggregate classification (germline): Uncertain significance (1 of 4 stars; one submission).

Conditions:
Immunodeficiency 39 (IMD39). Identifiers: Orphanet 574918, MedGen C4225358, MONDO:0014597, OMIM 616345.

Allele frequency attached by ClinVar (database versions not stated): gnomAD 0.00001; gnomAD exomes 0.00001; TOPMed 0.00001.

Submissions (2):

Labcorp Genetics (formerly Invitae), Labcorp
Classification: Uncertain significance for Immunodeficiency 39. Last evaluated: 2023-05-26. Review status: criteria provided, single submitter. Criteria: Invitae Variant Classification Sherloc (09022015). Collection method: clinical testing. Allele origin: germline.
Comment: This variant is not present in population databases (gnomAD no frequency). This sequence change replaces threonine, which is neutral and polar, with isoleucine, which is neutral and non-polar, at codon 268 of the IRF7 protein (p.Thr268Ile). This variant has not been reported in the literature in individuals affected with IRF7-related conditions. An algorithm developed to predict the effect of missense changes on protein structure and function (PolyPhen-2) suggests that this variant is likely to be tolerated. In summary, the available evidence is currently insufficient to determine the role of this variant in disease. Therefore, it has been classified as a Variant of Uncertain Significance.

Dr. Peter K. Rogan Lab, Western University
No classification provided (evidence only). Condition: Uterine corpus endometrial carcinoma. Review status: no classification provided. Collection method: in vitro. Allele origin: not applicable. Functional consequence: retained intron. Not counted in ClinVar's aggregate classification.